The following is an entry in ClinVar:

ClinVar aggregate classification (germline): Uncertain significance (1 of 4 stars; one submission).

Conditions:
DK1-congenital disorder of glycosylation. Also called: DOLK-congenital disorder of glycosylation; Carbohydrate deficient glycoprotein syndrome type 1m; CDG Im; DK1-CDG; CONGENITAL DISORDER OF GLYCOSYLATION, TYPE Im; DK1 DEFICIENCY. Identifiers: Orphanet 91131, MedGen C1835849, MONDO:0012556, OMIM 610768.

Allele frequency attached by ClinVar (database versions not stated): gnomAD exomes below 0.00001; TOPMed 0.00001.

Submission:

Labcorp Genetics (formerly Invitae), Labcorp
Classification: Uncertain significance for DK1-congenital disorder of glycosylation. Last evaluated: 2021-02-06. Review status: criteria provided, single submitter. Criteria: Invitae Variant Classification Sherloc (09022015). Collection method: clinical testing. Allele origin: germline.
Comment: Algorithms developed to predict the effect of missense changes on protein structure and function (SIFT, PolyPhen-2, Align-GVGD) all suggest that this variant is likely to be tolerated, but these predictions have not been confirmed by published functional studies and their clinical significance is uncertain. This sequence change replaces valine with methionine at codon 376 of the DOLK protein (p.Val376Met). The valine residue is moderately conserved and there is a small physicochemical difference between valine and methionine. This variant is not present in population databases (ExAC no frequency). This variant has not been reported in the literature in individuals with DOLK-related conditions. In summary, the available evidence is currently insufficient to determine the role of this variant in disease. Therefore, it has been classified as a Variant of Uncertain Significance.

NM_014908.4(DOLK):c.1126G>A (p.Val376Met)

Gene: DOLK (dolichol kinase; minus strand). Cytogenetic location: 9q34.11.
Variant type: single nucleotide variant.
Coding change: c.1126G>A on transcript NM_014908.4 (MANE Select); coding-DNA position 1126, G replaced by A.
Protein change: p.Val376Met; replaces valine 376 with methionine.
Molecular consequence: missense variant.
Genome position (GRCh38, 1-based): chr9:128,946,178, C>T on the plus strand (G>A on the coding strand, the complement: DOLK is on the minus strand). VCF-style: chr9-128946178-C-T. GRCh37 (hg19) VCF-style: chr9-131708457-C-T.
Other names: short protein forms V376M.
Identifiers: ClinVar variation 1433892 (VCV001433892.7), dbSNP rs1841662463, ClinGen allele CA375119862.
Genomic context (GRCh38, chr9:128,946,178, plus strand): 5'-GAAAAAGGGACAGGAAGCTCCGTAGAGTGTGACCCAAAGGCTTGATGCGGAAGTAGCGCA[C>T]ATACTCCAGGAAGATGAAGACCGCCAGGCATACAGTGGCGGCTACATAGAGCAGTGGCCG-3'
Protein context (NP_055723.1, residues 366-386): CLAVFIFLEY[Val376Met]RYFRIKPLGH